The following is an entry in ClinVar:

ClinVar aggregate classification (germline): Uncertain significance (1 of 4 stars; one submission).

Allele frequency attached by ClinVar (database versions not stated): ExAC 0.00001; TOPMed 0.00001; gnomAD 0.00002; gnomAD exomes 0.00002.
gnomAD v4.1: 43 of 1,614,022 alleles (0.0027%); highest among the groups gnomAD compares: Non-Finnish European, 0.003%; no homozygotes.

Submission:

Labcorp Genetics (formerly Invitae), Labcorp
Classification: Uncertain significance. Last evaluated: 2024-10-15. Review status: criteria provided, single submitter. Criteria: Invitae Variant Classification Sherloc (09022015). Collection method: clinical testing. Allele origin: germline.
Comment: This sequence change replaces arginine, which is basic and polar, with glutamine, which is neutral and polar, at codon 529 of the ASNS protein (p.Arg529Gln). This variant is present in population databases (rs757715023, gnomAD 0.003%). This variant has not been reported in the literature in individuals affected with ASNS-related conditions. ClinVar contains an entry for this variant (Variation ID: 2162471). Invitae Evidence Modeling of protein sequence and biophysical properties (such as structural, functional, and spatial information, amino acid conservation, physicochemical variation, residue mobility, and thermodynamic stability) indicates that this missense variant is not expected to disrupt ASNS protein function with a negative predictive value of 95%. In summary, the available evidence is currently insufficient to determine the role of this variant in disease. Therefore, it has been classified as a Variant of Uncertain Significance.

NM_001673.5(ASNS):c.1586G>A (p.Arg529Gln)

Genes: ASNS (asparagine synthetase (glutamine-hydrolyzing); minus strand), CZ1P-ASNS (CZ1P-ASNS readthrough; minus strand). Cytogenetic location: 7q21.3.
Variant type: single nucleotide variant.
Coding change: c.1586G>A on transcript NM_001673.5 (MANE Select); coding-DNA position 1586, G replaced by A.
Protein change: p.Arg529Gln; replaces arginine 529 with glutamine.
Molecular consequence: missense variant. On other transcripts: non-coding transcript variant (1).
Genome position (GRCh38, 1-based): chr7:97,852,359, C>T on the plus strand (G>A on the coding strand, the complement: ASNS is on the minus strand). VCF-style: chr7-97852359-C-T. GRCh37 (hg19) VCF-style: chr7-97481671-C-T.
Other names: c.1523G>A, p.Arg508Gln (NM_001178075.2); c.1337G>A, p.Arg446Gln (NM_001178076.2, NM_001178077.1); c.1586G>A, p.Arg529Gln (NM_001352496.2, NM_133436.3, NM_183356.4); short protein forms R446Q, R508Q, R529Q.
Identifiers: ClinVar variation 2162471 (VCV002162471.2), dbSNP rs757715023, ClinGen allele CA4354471.